The following is an entry in ClinVar:

NM_001382391.1(CSPP1):c.3268C>T (p.Pro1090Ser)

Genes: ARFGEF1 (ARF guanine nucleotide exchange factor 1; minus strand), CSPP1 (centrosome and spindle pole associated protein 1; plus strand). Cytogenetic location: 8q13.2.
Variant type: single nucleotide variant.
Coding change: c.3268C>T on transcript NM_001382391.1 (MANE Select); coding-DNA position 3268, C replaced by T.
Protein change: p.Pro1090Ser; replaces proline 1090 with serine.
Molecular consequence: missense variant. On other transcripts: intron variant (2).
Genome position (GRCh38, 1-based): chr8:67,190,697, C>T. VCF-style: chr8-67190697-C-T. GRCh37 (hg19) VCF-style: chr8-68102932-C-T.
Other names: c.2218C>T, p.Pro740Ser (NM_001291339.2); c.3187C>T, p.Pro1063Ser (NM_001363131.2); c.3073C>T, p.Pro1025Ser (NM_001363132.2); c.2992C>T, p.Pro998Ser (NM_001363133.2); c.3334C>T, p.Pro1112Ser (NM_001364869.1); c.3154C>T, p.Pro1052Ser (NM_001364870.1); c.3100C>T, p.Pro1034Ser (NM_001438330.1); c.3253C>T, p.Pro1085Ser (NM_001438331.1, NM_024790.7); and 3 more; short protein forms P1052S, P1025S, P1090S, P740S, P998S, P1063S, P1085S, P1112S.
Identifiers: ClinVar variation 1431392 (VCV001431392.5), dbSNP rs200930857, ClinGen allele CA4771116.

ClinVar aggregate classification (germline): Uncertain significance (1 of 4 stars; one submission).

Conditions:
Joubert syndrome 21 (JBTS21). Identifiers: MedGen C3810212, MONDO:0014288, OMIM 615636.

Allele frequency attached by ClinVar (database versions not stated): gnomAD 0.00002; ExAC 0.00003; ESP Exome Variant Server 0.00016; TOPMed 0.00001; gnomAD exomes 0.00002.
gnomAD v4.1: 39 of 1,613,990 alleles (0.0024%); highest among the groups gnomAD compares: Admixed American, 0.0067%; no homozygotes.

Submission:

Labcorp Genetics (formerly Invitae), Labcorp
Classification: Uncertain significance for Joubert syndrome 21. Last evaluated: 2024-12-02. Review status: criteria provided, single submitter. Criteria: Invitae Variant Classification Sherloc (09022015). Collection method: clinical testing. Allele origin: germline.
Comment: This sequence change replaces proline, which is neutral and non-polar, with serine, which is neutral and polar, at codon 1085 of the CSPP1 protein (p.Pro1085Ser). This variant is present in population databases (rs200930857, gnomAD 0.006%). This variant has not been reported in the literature in individuals affected with CSPP1-related conditions. ClinVar contains an entry for this variant (Variation ID: 1431392). An algorithm developed to predict the effect of missense changes on protein structure and function (PolyPhen-2) suggests that this variant is likely to be tolerated. In summary, the available evidence is currently insufficient to determine the role of this variant in disease. Therefore, it has been classified as a Variant of Uncertain Significance.